The following is an entry in ClinVar:

ClinVar aggregate classification (germline): Uncertain significance (1 of 4 stars; one submission).

Conditions:
Ichthyosis linearis circumflexa. Identifiers: MedGen C0265962, MONDO:0043106, HP:0025810.

Allele frequency attached by ClinVar (database versions not stated): gnomAD 0.00001.
gnomAD v4.1: 1 of 1,612,296 alleles (0.000062%); highest among the groups gnomAD compares: African/African-American, 0.0013%; no homozygotes.

Submission:

Labcorp Genetics (formerly Invitae), Labcorp
Classification: Uncertain significance for Ichthyosis linearis circumflexa. Last evaluated: 2022-07-15. Review status: criteria provided, single submitter. Criteria: Invitae Variant Classification Sherloc (09022015). Collection method: clinical testing. Allele origin: germline.
Comment: Algorithms developed to predict the effect of missense changes on protein structure and function (SIFT, PolyPhen-2, Align-GVGD) all suggest that this variant is likely to be tolerated. ClinVar contains an entry for this variant (Variation ID: 1427241). This variant has not been reported in the literature in individuals affected with SPINK5-related conditions. This variant is present in population databases (no rsID available, gnomAD 0.01%). This sequence change replaces histidine, which is basic and polar, with glutamine, which is neutral and polar, at codon 82 of the SPINK5 protein (p.His82Gln). In summary, the available evidence is currently insufficient to determine the role of this variant in disease. Therefore, it has been classified as a Variant of Uncertain Significance.

NM_006846.4(SPINK5):c.246T>A (p.His82Gln)

Gene: SPINK5 (serine peptidase inhibitor Kazal type 5; plus strand). Cytogenetic location: 5q32.
Variant type: single nucleotide variant.
Coding change: c.246T>A on transcript NM_006846.4 (MANE Select); coding-DNA position 246, T replaced by A.
Protein change: p.His82Gln; replaces histidine 82 with glutamine.
Molecular consequence: missense variant.
Genome position (GRCh38, 1-based): chr5:148,072,184, T>A. VCF-style: chr5-148072184-T-A. GRCh37 (hg19) VCF-style: chr5-147451747-T-A.
Other names: c.246T>A, p.His82Gln (NM_001127698.2, NM_001127699.2); short protein forms H82Q.
Identifiers: ClinVar variation 1427241 (VCV001427241.6), dbSNP rs1348041325, ClinGen allele CA361888902.